The following is an entry in ClinVar:

NM_002474.3(MYH11):c.4962G>A (p.Met1654Ile)

Genes: MYH11 (myosin heavy chain 11; minus strand), NDE1 (nudE neurodevelopment protein 1; plus strand). Cytogenetic location: 16p13.11.
Variant type: single nucleotide variant.
Coding change: c.4962G>A on transcript NM_002474.3 (MANE Select); coding-DNA position 4962, G replaced by A.
Protein change: p.Met1654Ile; replaces methionine 1654 with isoleucine.
Molecular consequence: missense variant. On other transcripts: intron variant (2).
Genome position (GRCh38, 1-based): chr16:15,719,705, C>T on the plus strand (G>A on the coding strand, the complement: MYH11 is on the minus strand). VCF-style: chr16-15719705-C-T. GRCh37 (hg19) VCF-style: chr16-15813562-C-T.
Other names: c.4983G>A, p.Met1661Ile (NM_001040113.2, NM_001040114.2); c.4962G>A, p.Met1654Ile (NM_022844.3); c.948-4486C>T (NM_001143979.2, NM_017668.3); short protein forms M1654I, M1661I.
Identifiers: ClinVar variation 3367987 (VCV003367987.1).
Genomic context (GRCh38, chr16:15,719,705, plus strand): 5'-TGTGGCAAAGATCTCATCTCTGGAGGCACGGGCATCTTCCAGCTCTCTTTGAAAGTCCTT[C>T]ATCTGAGCCTGCATGAGTCAACAGGGAGGACAAGCTCAGATGTCCTTACTCCCCCAAGTT-3'
Protein context (NP_002465.1, residues 1644-1664): IKQLRKLQAQ[Met1654Ile]KDFQRELEDA

ClinVar aggregate classification (germline): Uncertain significance (1 of 4 stars; one submission).

Submission:

GeneDx
Classification: Uncertain significance. Last evaluated: 2024-01-18. Review status: criteria provided, single submitter. Criteria: GeneDx Variant Classification Process June 2021. Collection method: clinical testing. Allele origin: germline. Affected: yes.
Comment: Not observed at significant frequency in large population cohorts (gnomAD); In silico analysis supports that this missense variant does not alter protein structure/function; Has not been previously published as pathogenic or benign to our knowledge